The following is an entry in ClinVar:

ClinVar aggregate classification (germline): Uncertain significance (1 of 4 stars; one submission).

Conditions:
Hereditary sensory and autonomic neuropathy type 6. Also called: Neuropathy, hereditary sensory and autonomic, type VI; HSAN VI. Identifiers: Orphanet 314381, MedGen C3539003, MONDO:0013839, OMIM 614653.
Epidermolysis bullosa simplex 3, localized or generalized intermediate, with BP230 deficiency (EBS3). Also called: Epidermolysis bullosa simplex due to BP230 deficiency; Epidermolysis bullosa simplex, autosomal recessive 2. Identifiers: Orphanet 412181, MedGen C3809470, MONDO:0014180, OMIM 615425.

Submission:

Labcorp Genetics (formerly Invitae), Labcorp
Classification: Uncertain significance for Epidermolysis bullosa simplex 3, localized or generalized intermediate, with BP230 deficiency; Hereditary sensory and autonomic neuropathy type 6. Last evaluated: 2023-08-04. Review status: criteria provided, single submitter. Criteria: Invitae Variant Classification Sherloc (09022015). Collection method: clinical testing. Allele origin: germline.
Comment: This sequence change replaces histidine, which is basic and polar, with arginine, which is basic and polar, at codon 2400 of the DST protein (p.His2400Arg). This variant is not present in population databases (gnomAD no frequency). This variant has not been reported in the literature in individuals affected with DST-related conditions. ClinVar contains an entry for this variant (Variation ID: 1398200). An algorithm developed to predict the effect of missense changes on protein structure and function (PolyPhen-2) suggests that this variant is likely to be tolerated. In summary, the available evidence is currently insufficient to determine the role of this variant in disease. Therefore, it has been classified as a Variant of Uncertain Significance.

NM_001723.7(DST):c.7199A>G (p.His2400Arg)

Gene: DST (dystonin; minus strand). Cytogenetic location: 6p12.1.
Variant type: single nucleotide variant.
Coding change: c.7199A>G on transcript NM_001723.7 (MANE Plus Clinical); coding-DNA position 7199, A replaced by G.
Protein change: p.His2400Arg; replaces histidine 2400 with arginine.
Molecular consequence: missense variant. On other transcripts: intron variant (10).
Genome position (GRCh38, 1-based): chr6:56,616,268, T>C on the plus strand (A>G on the coding strand, the complement: DST is on the minus strand). VCF-style: chr6-56616268-T-C. GRCh37 (hg19) VCF-style: chr6-56481066-T-C.
Other names: c.4831-1784A>G (NM_001144769.5); c.4930-1784A>G (NM_001374722.1, NM_001374736.1); c.4957-1784A>G (NM_001374734.1); c.4417-1784A>G (NM_001144770.2); c.4297-1784A>G (NM_001374730.1, NM_001386100.1, NM_183380.4 and 1 more transcripts); c.3319-1784A>G (NM_015548.5); short protein forms H2400R.
Identifiers: ClinVar variation 1398200 (VCV001398200.8), dbSNP rs2152729592, ClinGen allele CA364563501.
Genomic context (GRCh38, chr6:56,616,268, plus strand): 5'-TACTTTTTGACCAAGGCTTTGTCAATTGTTCCCTGCTCTATAGCCTCATTAATATTGAAG[T>C]GTAATCCTGTTTTAGTATCAGTCAGCATATGAGAAGAATGCCCATAGGATTCAAAAAACA-3'
Protein context (NP_001714.1, residues 2390-2410): HMLTDTKTGL[His2400Arg]FNINEAIEQG